The following is an entry in ClinVar:

NM_000059.4(BRCA2):c.3576T>A (p.Phe1192Leu)

Gene: BRCA2 (BRCA2 DNA repair associated; plus strand). Cytogenetic location: 13q13.1.
Variant type: single nucleotide variant.
Coding change: c.3576T>A on transcript NM_000059.4 (MANE Select); coding-DNA position 3576, T replaced by A.
Protein change: p.Phe1192Leu; replaces phenylalanine 1192 with leucine.
Molecular consequence: missense variant.
Genome position (GRCh38, 1-based): chr13:32,337,931, T>A. VCF-style: chr13-32337931-T-A. GRCh37 (hg19) VCF-style: chr13-32912068-T-A.
Other names: c.3576T>A (NM_000059.3); short protein forms F1192L.
Identifiers: ClinVar variation 1477694 (VCV001477694.10), dbSNP rs2137497999, ClinGen allele CA387777361.

ClinVar aggregate classification (germline): Conflicting classifications of pathogenicity. Review status: criteria provided, conflicting classifications (1 of 4 stars). 3 submissions from 3 submitters: Uncertain significance (2); Likely benign (1). Last evaluated 2026-07-06.

Conditions:
Hereditary cancer-predisposing syndrome. Also called: Hereditary Cancer Syndrome; Tumor predisposition; Neoplastic Syndromes, Hereditary; Hereditary neoplastic syndrome. Identifiers: Orphanet 140162, MedGen C0027672, MeSH D009386, MONDO:0015356.
Hereditary breast ovarian cancer syndrome. Also called: Hereditary breast and ovarian cancer; Hereditary breast and/or ovarian cancer syndrome; Breast and ovarian cancer; Hereditary breast and ovarian cancer syndrome; Hereditary breast and ovarian cancer syndrome (HBOC); BRCA1- and BRCA2-Associated Hereditary Breast and Ovarian Cancer. Identifiers: Orphanet 145, MedGen C0677776, MeSH D061325, MONDO:0003582. Disease mechanism: loss of function.

Submissions (3):

Ambry Genetics
Classification: Uncertain significance for Hereditary cancer-predisposing syndrome. Last evaluated: 2026-07-06. Review status: criteria provided, single submitter. Criteria: Ambry Variant Classification Scheme 2023. Collection method: clinical testing. Allele origin: germline.
Comment: The p.F1192L variant (also known as c.3576T>A), located in coding exon 10 of the BRCA2 gene, results from a T to A substitution at nucleotide position 3576. The phenylalanine at codon 1192 is replaced by leucine, an amino acid with highly similar properties. This amino acid position is conserved. In addition, this alteration is predicted to be tolerated by in silico analysis. Based on the available evidence, the clinical significance of this variant remains unclear.

University of Washington Department of Laboratory Medicine, University of Washington
Classification: Likely benign for Hereditary cancer-predisposing syndrome. Last evaluated: 2023-03-23. Review status: criteria provided, single submitter. Criteria: Dines et al. (Genet Med. 2020). Collection method: curation. Allele origin: germline.
Comment: Missense variant in a coldspot region where missense variants are very unlikely to be pathogenic (PMID:31911673).

BRCA2 exon 11 coldspot. Reclassification based on statistical prior probability.

Labcorp Genetics (formerly Invitae), Labcorp
Classification: Uncertain significance for Hereditary breast ovarian cancer syndrome. Last evaluated: 2021-06-11. Review status: criteria provided, single submitter. Criteria: Invitae Variant Classification Sherloc (09022015). Collection method: clinical testing. Allele origin: germline.
Comment: This sequence change replaces phenylalanine with leucine at codon 1192 of the BRCA2 protein (p.Phe1192Leu). The phenylalanine residue is weakly conserved and there is a small physicochemical difference between phenylalanine and leucine. This variant is not present in population databases (ExAC no frequency). This variant has not been reported in the literature in individuals with BRCA2-related conditions. Advanced modeling of protein sequence and biophysical properties (such as structural, functional, and spatial information, amino acid conservation, physicochemical variation, residue mobility, and thermodynamic stability) performed at Invitae indicates that this missense variant is not expected to disrupt BRCA2 protein function. In summary, the available evidence is currently insufficient to determine the role of this variant in disease. Therefore, it has been classified as a Variant of Uncertain Significance.